The following is an entry in ClinVar:

ClinVar aggregate classification (germline): Conflicting classifications of pathogenicity. Review status: criteria provided, conflicting classifications (1 of 4 stars). 8 submissions from 8 submitters: Uncertain significance (1); Likely benign (7). Last evaluated 2026-09-01.

Conditions:
Alstrom syndrome (ALMS). Identifiers: Orphanet 64, MedGen C0268425, MONDO:0008763, OMIM 203800.
Cardiovascular phenotype. Identifiers: MedGen CN230736.

Allele frequency attached by ClinVar (database versions not stated): TOPMed 0.00091; gnomAD exomes 0.00099 and 0.00068; ESP Exome Variant Server 0.00033; 1000 Genomes Project 0.00040; 1000 Genomes Project 30x 0.00047; ExAC 0.00060; gnomAD 0.00076 and 0.00080.
gnomAD v4.1: 1,547 of 1,614,130 alleles (0.096%); highest among the groups gnomAD compares: Admixed American, 0.24%; 1 homozygote.

Submissions (8):

CeGaT Center for Human Genetics Tuebingen
Classification: Likely benign. Last evaluated: 2026-09-01. Review status: criteria provided, single submitter. Criteria: CeGaT Center For Human Genetics Tuebingen Variant Classification Criteria Version 2. Collection method: clinical testing. Allele origin: germline. Affected: yes. Observed: 1 variant allele.
Comment: ALMS1: BP4, BP7

Labcorp Genetics (formerly Invitae), Labcorp
Classification: Likely benign for Alstrom syndrome. Last evaluated: 2026-02-03. Review status: criteria provided, single submitter. Criteria: Invitae Variant Classification Sherloc (09022015). Collection method: clinical testing. Allele origin: germline.

Women's Health and Genetics/Laboratory Corporation of America, LabCorp
Classification: Likely benign. Last evaluated: 2025-04-25. Review status: criteria provided, single submitter. Criteria: LabCorp Variant Classification Summary - May 2015. Collection method: clinical testing. Allele origin: germline.

Blueprint Genetics
Classification: Likely benign. Last evaluated: 2024-09-03. Review status: criteria provided, single submitter. Criteria: ACMG Guidelines, 2015. Collection method: clinical testing. Allele origin: germline.

Ambry Genetics
Classification: Likely benign for Cardiovascular phenotype. Last evaluated: 2019-01-31. Review status: criteria provided, single submitter. Criteria: Ambry Variant Classification Scheme 2023. Collection method: clinical testing. Allele origin: germline.

Eurofins Ntd Llc (ga)
Classification: Uncertain significance. Last evaluated: 2018-07-25. Review status: criteria provided, single submitter. Criteria: EGL ClinVar v180209 classification definitions. Collection method: clinical testing. Allele origin: germline. Observed: 1 variant allele, 1 heterozygote.

Laboratory for Molecular Medicine, Mass General Brigham Personalized Medicine
Classification: Likely benign. Last evaluated: 2017-08-23. Review status: criteria provided, single submitter. Criteria: LMM Criteria. Collection method: clinical testing. Allele origin: germline. Observed: 1 variant allele.
Comment: p.Leu1447Leu in exon 8 of ALMS1: This variant is not expected to have clinical significance because it does not alter an amino acid residue and is not located within the splice consensus sequence. It has been identified in 0.19% (22/11558) of Latino chromosomes by the Exome Aggregation Consortium (ExAC; dbSNP rs200459890).

GeneDx
Classification: Likely benign. Last evaluated: 2017-07-10. Review status: criteria provided, single submitter. Criteria: GeneDx Variant Classification (06012015). Collection method: clinical testing. Allele origin: germline. Affected: yes.
Comment: This variant is considered likely benign or benign based on one or more of the following criteria: it is a conservative change, it occurs at a poorly conserved position in the protein, it is predicted to be benign by multiple in silico algorithms, and/or has population frequency not consistent with disease.

NM_001378454.1(ALMS1):c.4344A>G (p.Leu1448=)

Gene: ALMS1 (ALMS1 centrosome and basal body associated protein; plus strand). Cytogenetic location: 2p13.1.
Variant type: single nucleotide variant.
Coding change: c.4344A>G on transcript NM_001378454.1 (MANE Select); coding-DNA position 4344, A replaced by G.
Protein change: p.Leu1448=; no amino-acid change (leucine 1448 retained).
Molecular consequence: synonymous variant.
Genome position (GRCh38, 1-based): chr2:73,450,871, A>G. VCF-style: chr2-73450871-A-G. GRCh37 (hg19) VCF-style: chr2-73677998-A-G.
Other names: c.4347A>G, p.Leu1449= (NM_015120.4).
Identifiers: ClinVar variation 392005 (VCV000392005.25), dbSNP rs200459890, ClinGen allele CA1713693.